The following is an entry in ClinVar:

ClinVar aggregate classification (germline): Uncertain significance (1 of 4 stars; one submission).

Conditions:
Intellectual developmental disorder, autosomal dominant 1. Also called: MBD5 Haploinsufficiency; Intellectual disability, autosomal dominant 1. Identifiers: Orphanet 228402, MedGen C1969562, MONDO:0007974, OMIM 156200.

gnomAD v4.1: 33 of 1,612,934 alleles (0.002%); highest among the groups gnomAD compares: Non-Finnish European, 0.0026%; no homozygotes.

Submission:

Labcorp Genetics (formerly Invitae), Labcorp
Classification: Uncertain significance for Intellectual developmental disorder, autosomal dominant 1. Last evaluated: 2025-12-05. Review status: criteria provided, single submitter. Criteria: Invitae Variant Classification Sherloc (09022015). Collection method: clinical testing. Allele origin: germline.
Comment: This sequence change replaces aspartic acid, which is acidic and polar, with glutamic acid, which is acidic and polar, at codon 1180 of the MBD5 protein (p.Asp1180Glu). This variant is present in population databases (no rsID available, gnomAD 0.002%). This variant has not been reported in the literature in individuals affected with MBD5-related conditions. Experimental studies and prediction algorithms are not available or were not evaluated, and the functional significance of this variant is currently unknown. In summary, the available evidence is currently insufficient to determine the role of this variant in disease. Therefore, it has been classified as a Variant of Uncertain Significance.

NM_001378120.1(MBD5):c.4239T>A (p.Asp1413Glu)

Gene: MBD5 (methyl-CpG binding domain protein 5; plus strand). Cytogenetic location: 2q23.1.
Variant type: single nucleotide variant.
Coding change: c.4239T>A on transcript NM_001378120.1 (MANE Select); coding-DNA position 4239, T replaced by A.
Protein change: p.Asp1413Glu; replaces aspartic acid 1413 with glutamic acid.
Molecular consequence: missense variant.
Genome position (GRCh38, 1-based): chr2:148,489,871, T>A. VCF-style: chr2-148489871-T-A. GRCh37 (hg19) VCF-style: chr2-149247440-T-A.
Other names: c.4239T>A, p.Asp1413Glu (NM_001438854.1, NM_001438856.1, NM_001438857.1 and 1 more transcripts); c.3540T>A, p.Asp1180Glu (NM_001438855.1, NM_001438859.1, NM_001438860.1 and 3 more transcripts); short protein forms D1180E, D1413E.
Identifiers: ClinVar variation 4695704 (VCV004695704.1).